The following is an entry in ClinVar:

ClinVar aggregate classification (germline): Likely benign (1 of 4 stars; one submission).

Allele frequency attached by ClinVar (database versions not stated): TOPMed 0.00001; gnomAD 0.00004.

Submission:

CeGaT Center for Human Genetics Tuebingen
Classification: Likely benign. Last evaluated: 2024-05-01. Review status: criteria provided, single submitter. Criteria: CeGaT Center For Human Genetics Tuebingen Variant Classification Criteria Version 2. Collection method: clinical testing. Allele origin: germline. Affected: yes. Observed: 1 variant allele.
Comment: PDXK: BP4, BP7

NM_003681.5(PDXK):c.142+3165G>A

Gene: PDXK (pyridoxal kinase; plus strand). Cytogenetic location: 21q22.3.
Variant type: single nucleotide variant.
Coding change: c.142+3165G>A on transcript NM_003681.5 (MANE Select); 3165 bases into the intron after coding-DNA position 142, G replaced by A.
Molecular consequence: intron variant.
Genome position (GRCh38, 1-based): chr21:43,737,288, G>A. VCF-style: chr21-43737288-G-A. GRCh37 (hg19) VCF-style: chr21-45157169-G-A.
Identifiers: ClinVar variation 3239277 (VCV003239277.19), dbSNP rs749154455.